The following is an entry in ClinVar:

ClinVar aggregate classification (germline): Uncertain significance. Review status: criteria provided, multiple submitters, no conflicts (2 of 4 stars). 2 submissions from 2 submitters: Uncertain significance (2). Last evaluated 2024-06-19.

Conditions:
Inborn genetic diseases. Identifiers: MedGen C0950123, MeSH D030342.
Spastic paraplegia. Identifiers: MedGen C0037772, HP:0001258.

Allele frequency attached by ClinVar (database versions not stated): gnomAD exomes below 0.00001.
gnomAD v4.1: 5 of 1,612,342 alleles (0.00031%); highest among the groups gnomAD compares: Non-Finnish European, 0.00025%; no homozygotes.

Submissions (2):

Ambry Genetics
Classification: Uncertain significance for Inborn genetic diseases. Last evaluated: 2024-06-19. Review status: criteria provided, single submitter. Criteria: Ambry Variant Classification Scheme 2023. Collection method: clinical testing. Allele origin: germline.

Labcorp Genetics (formerly Invitae), Labcorp
Classification: Uncertain significance for Spastic paraplegia. Last evaluated: 2023-08-22. Review status: criteria provided, single submitter. Criteria: Invitae Variant Classification Sherloc (09022015). Collection method: clinical testing. Allele origin: germline.
Comment: This variant has not been reported in the literature in individuals affected with KIF5A-related conditions. This variant is present in population databases (no rsID available, gnomAD 0.0009%). This sequence change replaces valine, which is neutral and non-polar, with methionine, which is neutral and non-polar, at codon 193 of the KIF5A protein (p.Val193Met). Advanced modeling of protein sequence and biophysical properties (such as structural, functional, and spatial information, amino acid conservation, physicochemical variation, residue mobility, and thermodynamic stability) has been performed at Invitae for this missense variant, however the output from this modeling did not meet the statistical confidence thresholds required to predict the impact of this variant on KIF5A protein function. In summary, the available evidence is currently insufficient to determine the role of this variant in disease. Therefore, it has been classified as a Variant of Uncertain Significance.

NM_004984.4(KIF5A):c.577G>A (p.Val193Met)

Gene: KIF5A (kinesin family member 5A; plus strand). Cytogenetic location: 12q13.3.
Variant type: single nucleotide variant.
Coding change: c.577G>A on transcript NM_004984.4 (MANE Select); coding-DNA position 577, G replaced by A.
Protein change: p.Val193Met; replaces valine 193 with methionine.
Molecular consequence: missense variant.
Genome position (GRCh38, 1-based): chr12:57,567,201, G>A. VCF-style: chr12-57567201-G-A. GRCh37 (hg19) VCF-style: chr12-57960984-G-A.
Other names: c.310G>A, p.Val104Met (NM_001354705.2); c.577G>A (NM_004984.2); short protein forms V104M, V193M.
Identifiers: ClinVar variation 3019395 (VCV003019395.4), dbSNP rs1265956693, ClinGen allele CA385497950.